The following is an entry in ClinVar:

NM_000018.4(ACADVL):c.1057A>G (p.Arg353Gly)

Gene: ACADVL (acyl-CoA dehydrogenase very long chain; plus strand). Cytogenetic location: 17p13.1.
Variant type: single nucleotide variant.
Coding change: c.1057A>G on transcript NM_000018.4 (MANE Select); coding-DNA position 1057, A replaced by G.
Protein change: p.Arg353Gly; replaces arginine 353 with glycine.
Molecular consequence: missense variant.
Genome position (GRCh38, 1-based): chr17:7,222,845, A>G. VCF-style: chr17-7222845-A-G. GRCh37 (hg19) VCF-style: chr17-7126164-A-G.
Other names: c.991A>G, p.Arg331Gly (NM_001033859.3); c.1126A>G, p.Arg376Gly (NM_001270447.2); c.829A>G, p.Arg277Gly (NM_001270448.2); short protein forms R277G, R331G, R353G, R376G.
Identifiers: ClinVar variation 3385162 (VCV003385162.1).

ClinVar aggregate classification (germline): Uncertain significance (1 of 4 stars; one submission).

Submission:

Women's Health and Genetics/Laboratory Corporation of America, LabCorp
Classification: Uncertain significance. Last evaluated: 2024-10-21. Review status: criteria provided, single submitter. Criteria: LabCorp Variant Classification Summary - May 2015. Collection method: clinical testing. Allele origin: germline.
Comment: Variant summary: ACADVL c.1057A>G (p.Arg353Gly) results in a non-conservative amino acid change located in the Acyl-CoA dehydrogenase/oxidase, C-terminal domain (IPR009075) of the encoded protein sequence. Five of five in-silico tools predict a damaging effect of the variant on protein function. The variant was absent in 250836 control chromosomes. The available data on variant occurrences in the general population are insufficient to allow any conclusion about variant significance. c.1057A>G has been reported in the literature in a compound heterozygous individual affected with Very Long Chain Acyl-CoA Dehydrogenase Deficiency (Guo_2023). These data do not allow any conclusion about variant significance. To our knowledge, no experimental evidence demonstrating an impact on protein function has been reported. The following publication have been ascertained in the context of this evaluation (PMID: 37308883). No submitters have cited clinical-significance assessments for this variant to ClinVar. Based on the evidence outlined above, the variant was classified as uncertain significance.

Literature cited by the submitters: PubMed 37308883.